The following is an entry in ClinVar:

ClinVar aggregate classification (germline): Uncertain significance (1 of 4 stars; one submission).

Allele frequency attached by ClinVar (database versions not stated): gnomAD exomes below 0.00001.
gnomAD v4.1: 1 of 1,613,990 alleles (0.000062%); highest among the groups gnomAD compares: Non-Finnish European, 0.000085%; no homozygotes.

Submission:

Labcorp Genetics (formerly Invitae), Labcorp
Classification: Uncertain significance. Last evaluated: 2024-10-16. Review status: criteria provided, single submitter. Criteria: Invitae Variant Classification Sherloc (09022015). Collection method: clinical testing. Allele origin: germline.
Comment: This sequence change replaces proline, which is neutral and non-polar, with leucine, which is neutral and non-polar, at codon 2275 of the ITPR1 protein (p.Pro2275Leu). This variant is not present in population databases (gnomAD no frequency). This variant has not been reported in the literature in individuals affected with ITPR1-related conditions. Invitae Evidence Modeling of protein sequence and biophysical properties (such as structural, functional, and spatial information, amino acid conservation, physicochemical variation, residue mobility, and thermodynamic stability) indicates that this missense variant is not expected to disrupt ITPR1 protein function with a negative predictive value of 80%. In summary, the available evidence is currently insufficient to determine the role of this variant in disease. Therefore, it has been classified as a Variant of Uncertain Significance.

NM_001378452.1(ITPR1):c.7013C>T (p.Pro2338Leu)

Gene: ITPR1 (inositol 1,4,5-trisphosphate receptor type 1; plus strand). Cytogenetic location: 3p26.1.
Variant type: single nucleotide variant.
Coding change: c.7013C>T on transcript NM_001378452.1 (MANE Select); coding-DNA position 7013, C replaced by T.
Protein change: p.Pro2338Leu; replaces proline 2338 with leucine.
Molecular consequence: missense variant.
Genome position (GRCh38, 1-based): chr3:4,800,506, C>T. VCF-style: chr3-4800506-C-T. GRCh37 (hg19) VCF-style: chr3-4842190-C-T.
Other names: c.6869C>T, p.Pro2290Leu (NM_001099952.4); c.6968C>T, p.Pro2323Leu (NM_001168272.2); c.6824C>T, p.Pro2275Leu (NM_002222.7); short protein forms P2290L, P2323L, P2338L, P2275L.
Identifiers: ClinVar variation 2712173 (VCV002712173.3), dbSNP rs2470133817, ClinGen allele CA351643700.